The following is an entry in ClinVar:

NM_152594.3(SPRED1):c.582+52A>G

Gene: SPRED1 (sprouty related EVH1 domain containing 1; plus strand). Cytogenetic location: 15q14.
Variant type: single nucleotide variant.
Coding change: c.582+52A>G on transcript NM_152594.3 (MANE Select); 52 bases into the intron after coding-DNA position 582, A replaced by G.
Molecular consequence: intron variant.
Genome position (GRCh38, 1-based): chr15:38,339,947, A>G. VCF-style: chr15-38339947-A-G. GRCh37 (hg19) VCF-style: chr15-38632148-A-G.
Identifiers: ClinVar variation 561407 (VCV000561407.2), dbSNP rs7181472, ClinGen allele CA7470126.
Genomic context (GRCh38, chr15:38,339,947, plus strand): 5'-GCCAATCAGGTAAGAAGATAAAATATTTTTTCGGCGCGTTGTTTATATGTGTAGAAATTG[A>G]ATGATGTCATAGATAAGGACGTTAAAACCATCTGCCCTTTACCAGACACAGTAAACAAAC-3'

ClinVar aggregate classification (germline): Benign. Review status: criteria provided, multiple submitters, no conflicts (2 of 4 stars). 2 submissions from 2 submitters: Benign (2). Last evaluated 2018-06-16.

Allele frequency attached by ClinVar (database versions not stated): TOPMed 0.90320; 1000 Genomes Project 30x 0.90662; ESP Exome Variant Server 0.90691; gnomAD 0.90817 and 0.91499; 1000 Genomes Project 0.90954; ExAC 0.97471; gnomAD exomes 0.97880 and 0.99152.
gnomAD v4.1: 1,584,898 of 1,610,878 alleles (98%); highest among the groups gnomAD compares: East Asian, 100%; 783,057 homozygotes.

Submissions (2):

GeneDx
Classification: Benign. Last evaluated: 2018-06-16. Review status: criteria provided, single submitter. Criteria: GeneDx Variant Classification (06012015). Collection method: clinical testing. Allele origin: germline. Affected: yes.
Comment: This variant is considered likely benign or benign based on one or more of the following criteria: it is a conservative change, it occurs at a poorly conserved position in the protein, it is predicted to be benign by multiple in silico algorithms, and/or has population frequency not consistent with disease.

Breakthrough Genomics
Classification: Benign. Review status: criteria provided, single submitter. Criteria: ACMG Guidelines, 2015. Collection method: not provided. Allele origin: germline. Inheritance: Autosomal dominant inheritance. Affected: yes.